The following is an entry in ClinVar:

NM_005629.4(SLC6A8):c.1721T>C (p.Leu574Pro)

Gene: SLC6A8 (solute carrier family 6 member 8; plus strand). Cytogenetic location: Xq28.
Variant type: single nucleotide variant.
Coding change: c.1721T>C on transcript NM_005629.4 (MANE Select); coding-DNA position 1721, T replaced by C.
Protein change: p.Leu574Pro; replaces leucine 574 with proline.
Molecular consequence: missense variant.
Genome position (GRCh38, 1-based): chrX:153,694,843, T>C. VCF-style: chrX-153694843-T-C. GRCh37 (hg19) VCF-style: chrX-152960298-T-C.
Other names: c.1691T>C, p.Leu564Pro (NM_001142805.2); c.1376T>C, p.Leu459Pro (NM_001142806.1); short protein forms L459P, L564P, L574P.
Identifiers: ClinVar variation 1720793 (VCV001720793.5), dbSNP rs2522170214, ClinGen allele CA415090928.
Genomic context (GRCh38, chrX:153,694,843, plus strand): 5'-CGTGGTGGGGTGAGGCCATGGGCTGGGCCTTCGCCCTGTCCTCCATGCTGTGCGTGCCGC[T>C]GCACCTCCTGGGCTGCCTCCTCAGGGCCAAGGGCACCATGGCTGAGGTAAGGCTCCCGCC-3'
Protein context (NP_005620.1, residues 564-584): FALSSMLCVP[Leu574Pro]HLLGCLLRAK

ClinVar aggregate classification (germline): Uncertain significance (1 of 4 stars; one submission).

Conditions:
Creatine transporter deficiency (CCDS1). Also called: Mental retardation , X-linked with seizures, short stature and midface hypoplasia; Mental retardation , X-linked, with creatine transport deficiency; X-linked creatine transporter deficiency; X-linked creatine deficiency syndrome; SLC6A8-Related Creatine Transporter Deficiency; CREATINE TRANSPORTER DEFECT. Identifiers: Orphanet 52503, MedGen C1845862, MONDO:0010305, OMIM 300352.

Submission:

Labcorp Genetics (formerly Invitae), Labcorp
Classification: Uncertain significance for Creatine transporter deficiency. Last evaluated: 2022-10-01. Review status: criteria provided, single submitter. Criteria: Invitae Variant Classification Sherloc (09022015). Collection method: clinical testing. Allele origin: germline.
Comment: In summary, the available evidence is currently insufficient to determine the role of this variant in disease. Therefore, it has been classified as a Variant of Uncertain Significance. Algorithms developed to predict the effect of missense changes on protein structure and function (SIFT, PolyPhen-2, Align-GVGD) all suggest that this variant is likely to be disruptive. This variant has not been reported in the literature in individuals affected with SLC6A8-related conditions. This variant is not present in population databases (gnomAD no frequency). This sequence change replaces leucine, which is neutral and non-polar, with proline, which is neutral and non-polar, at codon 574 of the SLC6A8 protein (p.Leu574Pro).